The following is an entry in ClinVar:

NM_018127.7(ELAC2):c.245+238C>T

Gene: ELAC2 (elaC ribonuclease Z 2; minus strand). Cytogenetic location: 17p12.
Variant type: single nucleotide variant.
Coding change: c.245+238C>T on transcript NM_018127.7 (MANE Select); 238 bases into the intron after coding-DNA position 245, C replaced by T.
Molecular consequence: intron variant.
Genome position (GRCh38, 1-based): chr17:13,017,465, G>A on the plus strand (C>T on the coding strand, the complement: ELAC2 is on the minus strand). VCF-style: chr17-13017465-G-A. GRCh37 (hg19) VCF-style: chr17-12920782-G-A.
Other names: c.245+238C>T (NM_001165962.2, NM_173717.2).
Identifiers: ClinVar variation 678589 (VCV000678589.2), dbSNP rs2286335, ClinGen allele CA288066972.

ClinVar aggregate classification (germline): Likely benign. Review status: criteria provided, multiple submitters, no conflicts (2 of 4 stars). 2 submissions from 2 submitters: Likely benign (2). Last evaluated 2018-06-16.

Allele frequency attached by ClinVar (database versions not stated): gnomAD 0.00528 and 0.00924; TOPMed 0.00607; gnomAD exomes 0.01387; 1000 Genomes Project 30x 0.04029; 1000 Genomes Project 0.04373.
gnomAD v4.1: 10,707 of 826,474 alleles (1.3%); highest among the groups gnomAD compares: East Asian, 14%; 573 homozygotes.

Submissions (2):

GeneDx
Classification: Likely benign. Last evaluated: 2018-06-16. Review status: criteria provided, single submitter. Criteria: GeneDx Variant Classification (06012015). Collection method: clinical testing. Allele origin: germline. Affected: yes.
Comment: This variant is considered likely benign or benign based on one or more of the following criteria: it is a conservative change, it occurs at a poorly conserved position in the protein, it is predicted to be benign by multiple in silico algorithms, and/or has population frequency not consistent with disease.

Breakthrough Genomics
Classification: Likely benign. Review status: criteria provided, single submitter. Criteria: ACMG Guidelines, 2015. Collection method: not provided. Allele origin: germline. Inheritance: Autosomal recessive inheritance. Affected: yes.